The following is an entry in ClinVar:

ClinVar aggregate classification (germline): Uncertain significance (1 of 4 stars; one submission).

Conditions:
Cystic fibrosis (CF). Also called: MUCOVISCIDOSIS. Identifiers: Orphanet 586, MedGen C0010674, MONDO:0009061, OMIM 219700. Disease mechanism: loss of function.

Submission:

Ambry Genetics
Classification: Uncertain significance for Cystic fibrosis. Last evaluated: 2022-11-26. Review status: criteria provided, single submitter. Criteria: Ambry Variant Classification Scheme 2023. Collection method: clinical testing. Allele origin: germline.
Comment: The p.N538S variant (also known as c.1613A>G), located in coding exon 12 of the CFTR gene, results from an A to G substitution at nucleotide position 1613. The asparagine at codon 538 is replaced by serine, an amino acid with highly similar properties. This amino acid position is conserved. In addition, the in silico prediction for this alteration is inconclusive. Since supporting evidence is limited at this time, the clinical significance of this alteration remains unclear.

NM_000492.4(CFTR):c.1613A>G (p.Asn538Ser)

Genes: CFTR (CF transmembrane conductance regulator; plus strand), LOC111674475 (CFTR intron 11 enhancer; plus strand). Cytogenetic location: 7q31.2.
Variant type: single nucleotide variant.
Coding change: c.1613A>G on transcript NM_000492.4 (MANE Select); coding-DNA position 1613, A replaced by G.
Protein change: p.Asn538Ser; replaces asparagine 538 with serine.
Molecular consequence: missense variant.
Genome position (GRCh38, 1-based): chr7:117,587,767, A>G. VCF-style: chr7-117587767-A-G. GRCh37 (hg19) VCF-style: chr7-117227821-A-G.
Other names: short protein forms N538S.
Identifiers: ClinVar variation 3231830 (VCV003231830.1), dbSNP rs2485104088, ClinGen allele CA368975950.